The following is an entry in ClinVar:

ClinVar aggregate classification (germline): Pathogenic (1 of 4 stars; one submission).

Conditions:
Primary ciliary dyskinesia 19. Also called: CILIARY DYSKINESIA, PRIMARY, 19, WITH OR WITHOUT SITUS INVERSUS. Identifiers: Orphanet 244, MedGen C3543826, MONDO:0013979, OMIM 614935.

Allele frequency attached by ClinVar (database versions not stated): gnomAD exomes below 0.00001 and 0.00001; ExAC 0.00002.
gnomAD v4.1: 3 of 1,568,632 alleles (0.00019%); highest among the groups gnomAD compares: Admixed American, 0.0036%; no homozygotes.

Submission:

Labcorp Genetics (formerly Invitae), Labcorp
Classification: Pathogenic for Primary ciliary dyskinesia 19. Last evaluated: 2022-07-05. Review status: criteria provided, single submitter. Criteria: Invitae Variant Classification Sherloc (09022015). Collection method: clinical testing. Allele origin: germline.
Comment: For these reasons, this variant has been classified as Pathogenic. Algorithms developed to predict the effect of sequence changes on RNA splicing suggest that this variant may disrupt the consensus splice site. ClinVar contains an entry for this variant (Variation ID: 652985). Disruption of this splice site has been observed in individual(s) with primary ciliary dyskinesia (Invitae). This variant is present in population databases (rs767624733, gnomAD 0.007%). This sequence change affects a donor splice site in intron 1 of the LRRC6 gene. It is expected to disrupt RNA splicing. Variants that disrupt the donor or acceptor splice site typically lead to a loss of protein function (PMID: 16199547), and loss-of-function variants in LRRC6 are known to be pathogenic (PMID: 23122589).

Literature cited by the submitters: PubMed 16199547; PubMed 23122589.

NM_012472.6(DNAAF11):c.10+1G>A

Gene: DNAAF11 (dynein axonemal assembly factor 11; minus strand). Cytogenetic location: 8q24.22.
Variant type: single nucleotide variant.
Coding change: c.10+1G>A on transcript NM_012472.6 (MANE Select); the canonical splice donor site of the intron after coding-DNA position 10, G replaced by A.
Molecular consequence: splice donor variant. On other transcripts: 5 prime UTR variant (4), non-coding transcript variant (5).
Genome position (GRCh38, 1-based): chr8:132,675,483, C>T on the plus strand (G>A on the coding strand, the complement: DNAAF11 is on the minus strand). VCF-style: chr8-132675483-C-T. GRCh37 (hg19) VCF-style: chr8-133687729-C-T.
Other names: c.-910G>A (NM_001321963.2); c.-1276G>A (NM_001321964.2); c.-1589G>A (NM_001321965.2); c.-560G>A (NM_001321966.2); c.10+1G>A (NM_001321962.2, NM_001321961.2).
Identifiers: ClinVar variation 652985 (VCV000652985.11), dbSNP rs767624733, ClinGen allele CA4881535.